The following is an entry in ClinVar:

ClinVar aggregate classification (germline): Uncertain significance. Review status: criteria provided, multiple submitters, no conflicts (2 of 4 stars). 2 submissions from 2 submitters: Uncertain significance (2). Last evaluated 2023-08-01.

Conditions:
Long QT syndrome (LQTS). Identifiers: MedGen C0023976, MeSH D008133, MONDO:0002442. Disease mechanism: loss of function. Inheritance: Various modes of inheritance.

Submissions (2):

Labcorp Genetics (formerly Invitae), Labcorp
Classification: Uncertain significance for Long QT syndrome. Last evaluated: 2023-08-01. Review status: criteria provided, single submitter. Criteria: Invitae Variant Classification Sherloc (09022015). Collection method: clinical testing. Allele origin: germline.
Comment: Algorithms developed to predict the effect of sequence changes on RNA splicing suggest that this variant may disrupt the consensus splice site. In summary, the available evidence is currently insufficient to determine the role of this variant in disease. Therefore, it has been classified as a Variant of Uncertain Significance. ClinVar contains an entry for this variant (Variation ID: 1677797). This variant has not been reported in the literature in individuals affected with AKAP9-related conditions. This variant is not present in population databases (gnomAD no frequency). This variant, c.49_57del, results in the deletion of 3 amino acid(s) of the AKAP9 protein (p.Leu17_Gln19del), but otherwise preserves the integrity of the reading frame.

AiLife Diagnostics
Classification: Uncertain significance. Last evaluated: 2022-01-10. Review status: criteria provided, single submitter. Criteria: ACMG Guidelines, 2015. Collection method: clinical testing. Allele origin: germline. Affected: yes. Observed: 1 variant allele.

NC_000007.14:g.91973711_91973719del

Gene: AKAP9 (A-kinase anchoring protein 9; plus strand). Cytogenetic location: 7q21.2.
Variant type: Deletion.
Genome position: GRCh38 VCF-style: chr7-91973708-TAGCTTGCCC-T. GRCh37 (hg19) VCF-style: chr7-91603022-TAGCTTGCCC-T.
Identifiers: ClinVar variation 1677797 (VCV001677797.5), dbSNP rs1381647167, ClinGen allele CA843807409.